The following is an entry in ClinVar:

ClinVar aggregate classification (germline): Pathogenic (0 of 4 stars; one submission).

Conditions:
Fanconi anemia complementation group A (FANCA). Also called: Fanconi anemia, group A; FANCA-Related Fanconi Anemia. Identifiers: Orphanet 84, MedGen C3469521, MONDO:0009215, OMIM 227650.

Submission:

Leiden Open Variation Database
Classification: Pathogenic for Fanconi anemia complementation group A. Last evaluated: 2020-02-28. Review status: no assertion criteria provided. Collection method: curation. Allele origin: germline. Affected: yes.
Comment: Curator: Arleen D. Auerbach. Submitter to LOVD: Johan de Winter.

Literature cited by the submitters: PubMed 17924555.

NC_000016.10:g.(89773385_89775741)_(89796019_89799165)del

Gene: FANCA (FA complementation group A; minus strand). Cytogenetic location: 16q24.3.
Variant type: Deletion.
Identifiers: ClinVar variation 974211 (VCV000974211.1).